The following is an entry in ClinVar:

NM_006662.3(SRCAP):c.7133C>T (p.Thr2378Ile)

Gene: SRCAP (Snf2 related CREBBP activator protein; plus strand). Cytogenetic location: 16p11.2.
Variant type: single nucleotide variant.
Coding change: c.7133C>T on transcript NM_006662.3 (MANE Select); coding-DNA position 7133, C replaced by T.
Protein change: p.Thr2378Ile; replaces threonine 2378 with isoleucine.
Molecular consequence: missense variant.
Genome position (GRCh38, 1-based): chr16:30,737,173, C>T. VCF-style: chr16-30737173-C-T. GRCh37 (hg19) VCF-style: chr16-30748494-C-T.
Other names: c.7133C>T (NM_006662.2); short protein forms T2378I.
Identifiers: ClinVar variation 2723662 (VCV002723662.6), dbSNP rs760969953, ClinGen allele CA8012424.
Genomic context (GRCh38, chr16:30,737,173, plus strand): 5'-AAGAGGAGGAGGAGGGGCCGGGGGCTGGGGATGAGAGTTCCTGTGGGACTGGTGGAGGCA[C>T]CCACCGGCGCAGTAAAAAGGCCAAAGCCCCTGAGAGGCCGGGGACTCGTGTCAGTGAGCG-3'
Protein context (NP_006653.2, residues 2368-2388): DESSCGTGGG[Thr2378Ile]HRRSKKAKAP

ClinVar aggregate classification (germline): Conflicting classifications of pathogenicity. Review status: criteria provided, conflicting classifications (1 of 4 stars). 3 submissions from 3 submitters: Uncertain significance (1); Likely benign (1). 1 of the submissions does not count toward it. Last evaluated 2025-12-30.

Conditions:
SRCAP-related disorder. Also called: SRCAP-related condition.
Inborn genetic diseases. Identifiers: MedGen C0950123, MeSH D030342.

Allele frequency attached by ClinVar (database versions not stated): gnomAD 0.00003; gnomAD exomes 0.00003; ExAC 0.00005; TOPMed below 0.00001.
gnomAD v4.1: 59 of 1,613,868 alleles (0.0037%); highest among the groups gnomAD compares: South Asian, 0.045%; no homozygotes.

Submissions (3):

Labcorp Genetics (formerly Invitae), Labcorp
Classification: Uncertain significance. Last evaluated: 2025-12-30. Review status: criteria provided, single submitter. Criteria: Invitae Variant Classification Sherloc (09022015). Collection method: clinical testing. Allele origin: germline.
Comment: This sequence change replaces threonine, which is neutral and polar, with isoleucine, which is neutral and non-polar, at codon 2378 of the SRCAP protein (p.Thr2378Ile). This variant is present in population databases (rs760969953, gnomAD 0.05%), and has an allele count higher than expected for a pathogenic variant. This variant has not been reported in the literature in individuals affected with SRCAP-related conditions. ClinVar contains an entry for this variant (Variation ID: 2723662). Invitae Evidence Modeling of protein sequence and biophysical properties (such as structural, functional, and spatial information, amino acid conservation, physicochemical variation, residue mobility, and thermodynamic stability) indicates that this missense variant is not expected to disrupt SRCAP protein function with a negative predictive value of 80%. In summary, the available evidence is currently insufficient to determine the role of this variant in disease. Therefore, it has been classified as a Variant of Uncertain Significance.

Ambry Genetics
Classification: Likely benign for Inborn genetic diseases. Last evaluated: 2024-02-05. Review status: criteria provided, single submitter. Criteria: Ambry Variant Classification Scheme 2023. Collection method: clinical testing. Allele origin: germline.

PreventionGenetics, part of Exact Sciences
Classification: Likely benign for SRCAP-related condition. Last evaluated: 2023-04-27. Review status: no assertion criteria provided. Collection method: clinical testing. Allele origin: germline. Not counted in ClinVar's aggregate classification.
Comment: This variant is classified as likely benign based on ACMG/AMP sequence variant interpretation guidelines (Richards et al. 2015 PMID: 25741868, with internal and published modifications).